The following is an entry in ClinVar:

NM_001034853.2(RPGR):c.308C>T (p.Thr103Ile)

Gene: RPGR (retinitis pigmentosa GTPase regulator; minus strand). Cytogenetic location: Xp11.4.
Variant type: single nucleotide variant.
Coding change: c.308C>T on transcript NM_001034853.2 (MANE Select); coding-DNA position 308, C replaced by T.
Protein change: p.Thr103Ile; replaces threonine 103 with isoleucine.
Molecular consequence: missense variant. On other transcripts: non-coding transcript variant (6).
Genome position (GRCh38, 1-based): chrX:38,321,029, G>A on the plus strand (C>T on the coding strand, the complement: RPGR is on the minus strand). VCF-style: chrX-38321029-G-A. GRCh37 (hg19) VCF-style: chrX-38180282-G-A.
Other names: NM_001034853.2(RPGR):c.308C>T; p.Thr103Ile; c.308C>T, p.Thr103Ile (NM_000328.3, NM_001367245.1, NM_001367246.1 and 4 more transcripts); c.338C>T, p.Thr113Ile (NM_001367248.1); short protein forms T113I, T103I.
Identifiers: ClinVar variation 1356123 (VCV001356123.6), dbSNP rs2147285611, ClinGen allele CA412745351.

ClinVar aggregate classification (germline): Likely pathogenic. Review status: reviewed by expert panel (3 of 4 stars). 2 submissions from 2 submitters: Likely pathogenic (1). 1 of the submissions does not count toward it. Last evaluated 2025-05-20.

Conditions:
RPGR-related retinopathy. Also called: RPGR retinopathy. Identifiers: MedGen CN305589, MONDO:0100437.
Primary ciliary dyskinesia. Also called: Ciliary dyskinesia. Identifiers: Orphanet 244, MedGen C0008780, MONDO:0016575, HP:0012265.

Submissions (2):

ClinGen X-linked Inherited Retinal Disease Variant Curation Expert Panel, ClinGen
Classification: Likely pathogenic for RPGR-related retinopathy. Last evaluated: 2025-05-20. Review status: reviewed by expert panel. Criteria: ClinGen X LinkedIRD ACMG Specifications RPGR V1.0.0. Collection method: curation. Allele origin: germline. Inheritance: X-linked inheritance.
Comment: NM_001034853.2(RPGR):c.308C>T (p.Thr103Ile) is a missense variant in the final codon of exon 4 and is predicted to encode substitution of threonine with isoleucine in codon 103. The computational predictor REVEL gives a score of 0.819, which is between the ClinGen X-linked IRD VCEP threshold of 0.773 to 0.931 and predicts a damaging effect on RPGR function (PP3_moderate). The splicing impact predictor SpliceAI gives a score of 0.63 for donor loss and 0.59 for acceptor loss, which are above the ClinGen X-linked IRD VCEP recommended threshold of ≥0.2 and predict a damaging impact on splicing. This variant is absent from hemizygous individuals in gnomAD v4.1.0 (PM2_supporting). At least one proband harboring this variant exhibits a phenotype including early onset (1 pt), family history consistent with X-linked inheritance (2) including delayed or milder phenotype in females (1 pt), genotyping by next-generation sequencing-based retinal panel identifying no alternative cause of disease (2 pts), rod involvement greater than cone (1 pt), decreased central vision acuity (0.5 pts), and bone spicule pigmentation (0.5 pts) which together are highly specific for RPGR-related retinopathy (8 points, communication with clinical researcher regarding unpublished proband, PP4_moderate). The variant has been reported to segregate with retinal dystrophy through at least 3 affected meioses from 1 family (PP1_moderate; communication with clinical researcher regarding unpublished proband). In summary, this variant is classified as likely pathogenic for RPGR-related retinopathy based on the ClinGen X-linked Inherited Retinal Disease Expert Panel Specifications to the ACMG/AMP Variant Interpretation Guidelines for RPGR Version 1.0.0; PM2_supporting, PP1_moderate, PP3_moderate, and PP4_moderate. (date of approval 05/16/2025).

Labcorp Genetics (formerly Invitae), Labcorp
Classification: Uncertain significance for Primary ciliary dyskinesia. Last evaluated: 2024-11-19. Review status: criteria provided, single submitter. Criteria: Invitae Variant Classification Sherloc (09022015). Collection method: clinical testing. Allele origin: germline. Not counted in ClinVar's aggregate classification.
Comment: This sequence change replaces threonine, which is neutral and polar, with isoleucine, which is neutral and non-polar, at codon 103 of the RPGR protein (p.Thr103Ile). This variant is not present in population databases (gnomAD no frequency). This missense change has been observed in individuals with clinical features of retinitis pigmentosa (internal data). ClinVar contains an entry for this variant (Variation ID: 1356123). An algorithm developed to predict the effect of missense changes on protein structure and function (PolyPhen-2) suggests that this variant is likely to be disruptive. Algorithms developed to predict the effect of sequence changes on RNA splicing suggest that this variant may disrupt the consensus splice site. In summary, the available evidence is currently insufficient to determine the role of this variant in disease. Therefore, it has been classified as a Variant of Uncertain Significance.